The following is an entry in ClinVar:

ClinVar aggregate classification (germline): Likely benign. Review status: criteria provided, multiple submitters, no conflicts (2 of 4 stars). 2 submissions from 2 submitters: Likely benign (2). Last evaluated 2025-05-19.

Conditions:
Tuberous sclerosis 2 (TSC2). Identifiers: Orphanet 805, MedGen C1860707, MONDO:0013199, OMIM 613254.

Allele frequency attached by ClinVar (database versions not stated): gnomAD exomes below 0.00001; TOPMed below 0.00001.
gnomAD v4.1: 3 of 1,613,384 alleles (0.00019%); highest among the groups gnomAD compares: South Asian, 0.0033%; 1 homozygote.

Submissions (2):

Myriad Genetics, Inc.
Classification: Likely benign for Tuberous sclerosis 2. Last evaluated: 2025-05-19. Review status: criteria provided, single submitter. Criteria: Myriad Autosomal Dominant, Autosomal Recessive and X-Linked Classification Criteria (2023). Collection method: clinical testing. Allele origin: unknown.
Comment: This variant is considered likely benign. This variant is intronic and is not expected to impact mRNA splicing.

Labcorp Genetics (formerly Invitae), Labcorp
Classification: Likely benign for Tuberous sclerosis 2. Last evaluated: 2024-04-10. Review status: criteria provided, single submitter. Criteria: Invitae Variant Classification Sherloc (09022015). Collection method: clinical testing. Allele origin: germline.

NM_000548.5(TSC2):c.2221-20T>C

Gene: TSC2 (TSC complex subunit 2; plus strand). Cytogenetic location: 16p13.3.
Variant type: single nucleotide variant.
Coding change: c.2221-20T>C on transcript NM_000548.5 (MANE Select); 20 bases into the intron before coding-DNA position 2221, T replaced by C.
Molecular consequence: intron variant.
Genome position (GRCh38, 1-based): chr16:2,072,829, T>C. VCF-style: chr16-2072829-T-C. GRCh37 (hg19) VCF-style: chr16-2122830-T-C.
Other names: c.2221-20T>C (NM_001114382.3, NM_021055.3, NM_001370405.1 and 3 more transcripts); c.2110-20T>C (NM_001318827.2); c.1621-20T>C (NM_001318831.2); c.2074-20T>C (NM_001318829.2); c.2254-20T>C (NM_001318832.2).
Identifiers: ClinVar variation 1562729 (VCV001562729.9), dbSNP rs2088678037, ClinGen allele CA2202027378.
Genomic context (GRCh38, chr16:2,072,829, plus strand): 5'-CCCAGGGCCTCCCCAGCCCCTCTGGCTACCCCGTGACCTGGCCGCTGGGGAGAGGTTTCA[T>C]GCCTGGATTTGGTCATCAGCTTTCAGGCCCAAAGACACTGGAGCGGCTCCGAGGCGCCCC-3'